The following is an entry in ClinVar:

ClinVar aggregate classification (germline): Uncertain significance (1 of 4 stars; one submission).

Conditions:
Long QT syndrome (LQTS). Identifiers: MedGen C0023976, MeSH D008133, MONDO:0002442. Disease mechanism: loss of function. Inheritance: Various modes of inheritance.

Submission:

Labcorp Genetics (formerly Invitae), Labcorp
Classification: Uncertain significance for Long QT syndrome. Last evaluated: 2022-06-20. Review status: criteria provided, single submitter. Criteria: Invitae Variant Classification Sherloc (09022015). Collection method: clinical testing. Allele origin: germline.
Comment: In summary, the available evidence is currently insufficient to determine the role of this variant in disease. Therefore, it has been classified as a Variant of Uncertain Significance. Algorithms developed to predict the effect of sequence changes on RNA splicing suggest that this variant may disrupt the consensus splice site. Algorithms developed to predict the effect of missense changes on protein structure and function are either unavailable or do not agree on the potential impact of this missense change (SIFT: "Tolerated"; PolyPhen-2: "Possibly Damaging"; Align-GVGD: "Class C0"). This variant has not been reported in the literature in individuals affected with KCNH2-related conditions. This variant is not present in population databases (gnomAD no frequency). This sequence change replaces asparagine, which is neutral and polar, with serine, which is neutral and polar, at codon 996 of the KCNH2 protein (p.Asn996Ser).

NM_000238.4(KCNH2):c.2987A>G (p.Asn996Ser)

Gene: KCNH2 (potassium voltage-gated channel subfamily H member 2; minus strand). Cytogenetic location: 7q36.1.
Variant type: single nucleotide variant.
Coding change: c.2987A>G on transcript NM_000238.4 (MANE Select); coding-DNA position 2987, A replaced by G.
Protein change: p.Asn996Ser; replaces asparagine 996 with serine.
Molecular consequence: missense variant.
Genome position (GRCh38, 1-based): chr7:150,947,493, T>C on the plus strand (A>G on the coding strand, the complement: KCNH2 is on the minus strand). VCF-style: chr7-150947493-T-C. GRCh37 (hg19) VCF-style: chr7-150644581-T-C.
Other names: c.1967A>G, p.Asn656Ser (NM_172057.3); short protein forms N656S, N996S.
Identifiers: ClinVar variation 1426577 (VCV001426577.8), dbSNP rs199473018, ClinGen allele CA369852979.